The following is an entry in ClinVar:

NM_001267550.2(TTN):c.48655C>T (p.Leu16219Phe)

Genes: TTN (titin; minus strand), TTN-AS1 (TTN antisense RNA 1; plus strand), LOC126806426 (BRD4-independent group 4 enhancer GRCh37_chr2:179478848-179480047; plus strand). Cytogenetic location: 2q31.2.
Variant type: single nucleotide variant.
Coding change: c.48655C>T on transcript NM_001267550.2 (MANE Select); coding-DNA position 48655, C replaced by T.
Protein change: p.Leu16219Phe; replaces leucine 16219 with phenylalanine.
Molecular consequence: missense variant.
Genome position (GRCh38, 1-based): chr2:178,614,952, G>A on the plus strand (C>T on the coding strand, the complement: TTN is on the minus strand). VCF-style: chr2-178614952-G-A. GRCh37 (hg19) VCF-style: chr2-179479679-G-A.
Other names: c.21460C>T, p.Leu7154Phe (NM_003319.4); c.40951C>T, p.Leu13651Phe (NM_133378.4); c.21835C>T, p.Leu7279Phe (NM_133432.3); c.22036C>T, p.Leu7346Phe (NM_133437.4); c.43732C>T, p.Leu14578Phe (NM_001256850.1); short protein forms L13651F, L14578F, L16219F, L7154F, L7279F, L7346F.
Identifiers: ClinVar variation 4536603 (VCV004536603.1).

ClinVar aggregate classification (germline): Uncertain significance (1 of 4 stars; one submission).

Submission:

GeneDx
Classification: Uncertain significance. Last evaluated: 2025-06-05. Review status: criteria provided, single submitter. Criteria: GeneDx Variant Classification Process June 2021. Collection method: clinical testing. Allele origin: germline. Affected: yes.
Comment: Not observed at significant frequency in large population cohorts (gnomAD); Missense variant in a gene in which most reported pathogenic variants are truncating/loss of function; Has not been previously published as pathogenic or benign to our knowledge